The following is an entry in ClinVar:

NM_001378452.1(ITPR1):c.1554+6T>G

Gene: ITPR1 (inositol 1,4,5-trisphosphate receptor type 1; plus strand). Cytogenetic location: 3p26.1.
Variant type: single nucleotide variant.
Coding change: c.1554+6T>G on transcript NM_001378452.1 (MANE Select); 6 bases into the intron after coding-DNA position 1554, T replaced by G.
Molecular consequence: intron variant.
Genome position (GRCh38, 1-based): chr3:4,663,212, T>G. VCF-style: chr3-4663212-T-G. GRCh37 (hg19) VCF-style: chr3-4704896-T-G.
Other names: c.1554+6T>G (NM_001099952.4); c.1509+6T>G (NM_001168272.2, NM_002222.7).
Identifiers: ClinVar variation 489212 (VCV000489212.9), dbSNP rs371214686, ClinGen allele CA2231206.

ClinVar aggregate classification (germline): Uncertain significance. Review status: criteria provided, multiple submitters, no conflicts (2 of 4 stars). 3 submissions from 3 submitters: Uncertain significance (3). Last evaluated 2024-07-01.

Allele frequency attached by ClinVar (database versions not stated): gnomAD 0.00004 and 0.00005; ExAC 0.00005; gnomAD exomes 0.00005 and 0.00007; TOPMed 0.00006; ESP Exome Variant Server 0.00024.
gnomAD v4.1: 109 of 1,607,358 alleles (0.0068%); highest among the groups gnomAD compares: Middle Eastern, 0.05%; no homozygotes.

Submissions (3):

Labcorp Genetics (formerly Invitae), Labcorp
Classification: Uncertain significance. Last evaluated: 2024-07-01. Review status: criteria provided, single submitter. Criteria: Invitae Variant Classification Sherloc (09022015). Collection method: clinical testing. Allele origin: germline.
Comment: This sequence change falls in intron 15 of the ITPR1 gene. It does not directly change the encoded amino acid sequence of the ITPR1 protein. It affects a nucleotide within the consensus splice site. This variant is present in population databases (rs371214686, gnomAD 0.02%). This variant has not been reported in the literature in individuals affected with ITPR1-related conditions. ClinVar contains an entry for this variant (Variation ID: 489212). Variants that disrupt the consensus splice site are a relatively common cause of aberrant splicing (PMID: 17576681, 9536098). Algorithms developed to predict the effect of sequence changes on RNA splicing suggest that this variant is not likely to affect RNA splicing. In summary, the available evidence is currently insufficient to determine the role of this variant in disease. Therefore, it has been classified as a Variant of Uncertain Significance.

GeneDx
Classification: Uncertain significance. Last evaluated: 2021-01-02. Review status: criteria provided, single submitter. Criteria: GeneDx Variant Classification Process June 2021. Collection method: clinical testing. Allele origin: germline. Affected: yes.
Comment: In silico analysis supports a deleterious effect on splicing; Has not been previously published as pathogenic or benign to our knowledge

Athena Diagnostics
Classification: Uncertain significance. Last evaluated: 2019-06-12. Review status: criteria provided, single submitter. Criteria: Athena Diagnostics Criteria. Collection method: clinical testing. Allele origin: germline.

Literature cited by the submitters: PubMed 17576681 (cited by Labcorp Genetics (formerly Invitae), Labcorp); PubMed 9536098 (cited by Labcorp Genetics (formerly Invitae), Labcorp).